The following is an entry in ClinVar:

ClinVar aggregate classification (germline): Uncertain significance (1 of 4 stars; one submission).

Conditions:
Inborn genetic diseases. Identifiers: MedGen C0950123, MeSH D030342.

Submission:

Ambry Genetics
Classification: Uncertain significance for Inborn genetic diseases. Last evaluated: 2025-01-15. Review status: criteria provided, single submitter. Criteria: Ambry Variant Classification Scheme 2023. Collection method: clinical testing. Allele origin: germline.
Comment: The c.-2G>C variant is located in the 5' untranslated region (5&rsquo; UTR) of the DDX41 gene. This variant results from a G to C substitution 2 bases upstream from the first translated codon. This nucleotide position is not well conserved in available vertebrate species. Based on the available evidence, the clinical significance of this variant remains unclear.

NM_016222.4(DDX41):c.-2G>C

Gene: DDX41 (DEAD-box helicase 41; minus strand). Cytogenetic location: 5q35.3.
Variant type: single nucleotide variant.
Coding change: c.-2G>C on transcript NM_016222.4 (MANE Select); 2 bases upstream of the start codon, G replaced by C.
Molecular consequence: 5 prime UTR variant.
Genome position (GRCh38, 1-based): chr5:177,516,947, C>G on the plus strand (G>C on the coding strand, the complement: DDX41 is on the minus strand). VCF-style: chr5-177516947-C-G. GRCh37 (hg19) VCF-style: chr5-176943948-C-G.
Other names: c.-657G>C (NM_001321732.2); c.-449G>C (NM_001321830.2).
Identifiers: ClinVar variation 3838964 (VCV003838964.1).